The following is an entry in ClinVar:

ClinVar aggregate classification (germline): Uncertain significance (1 of 4 stars; one submission).

gnomAD v4.1: 1 of 1,613,554 alleles (0.000062%); highest among the groups gnomAD compares: East Asian, 0.0022%; no homozygotes.

Submission:

Labcorp Genetics (formerly Invitae), Labcorp
Classification: Uncertain significance. Last evaluated: 2024-06-12. Review status: criteria provided, single submitter. Criteria: Invitae Variant Classification Sherloc (09022015). Collection method: clinical testing. Allele origin: germline.
Comment: This sequence change replaces glutamic acid, which is acidic and polar, with lysine, which is basic and polar, at codon 2448 of the ITPR1 protein (p.Glu2448Lys). This variant is present in population databases (rs756594271, gnomAD 0.006%). This variant has not been reported in the literature in individuals affected with ITPR1-related conditions. Advanced modeling of protein sequence and biophysical properties (such as structural, functional, and spatial information, amino acid conservation, physicochemical variation, residue mobility, and thermodynamic stability) performed at Invitae indicates that this missense variant is not expected to disrupt ITPR1 protein function with a negative predictive value of 95%. In summary, the available evidence is currently insufficient to determine the role of this variant in disease. Therefore, it has been classified as a Variant of Uncertain Significance.

NM_001378452.1(ITPR1):c.7531G>A (p.Glu2511Lys)

Gene: ITPR1 (inositol 1,4,5-trisphosphate receptor type 1; plus strand). Cytogenetic location: 3p26.1.
Variant type: single nucleotide variant.
Coding change: c.7531G>A on transcript NM_001378452.1 (MANE Select); coding-DNA position 7531, G replaced by A.
Protein change: p.Glu2511Lys; replaces glutamic acid 2511 with lysine.
Molecular consequence: missense variant.
Genome position (GRCh38, 1-based): chr3:4,813,204, G>A. VCF-style: chr3-4813204-G-A. GRCh37 (hg19) VCF-style: chr3-4854888-G-A.
Other names: c.7387G>A, p.Glu2463Lys (NM_001099952.4); c.7486G>A, p.Glu2496Lys (NM_001168272.2); c.7342G>A, p.Glu2448Lys (NM_002222.7); short protein forms E2448K, E2511K, E2463K, E2496K.
Identifiers: ClinVar variation 3656387 (VCV003656387.2).